The following is an entry in ClinVar:

ClinVar aggregate classification (germline): Uncertain significance (1 of 4 stars; one submission).

gnomAD v4.1: 7 of 1,614,212 alleles (0.00043%); highest among the groups gnomAD compares: Admixed American, 0.0033%; no homozygotes.

Submission:

Labcorp Genetics (formerly Invitae), Labcorp
Classification: Uncertain significance. Last evaluated: 2025-07-30. Review status: criteria provided, single submitter. Criteria: Invitae Variant Classification Sherloc (09022015). Collection method: clinical testing. Allele origin: germline.
Comment: This sequence change replaces arginine, which is basic and polar, with histidine, which is basic and polar, at codon 151 of the BACH2 protein (p.Arg151His). This variant is present in population databases (rs144637668, gnomAD 0.007%). This variant has not been reported in the literature in individuals affected with BACH2-related conditions. ClinVar contains an entry for this variant (Variation ID: 1524540). Invitae Evidence Modeling of protein sequence and biophysical properties (such as structural, functional, and spatial information, amino acid conservation, physicochemical variation, residue mobility, and thermodynamic stability) indicates that this missense variant is not expected to disrupt BACH2 protein function with a negative predictive value of 80%. In summary, the available evidence is currently insufficient to determine the role of this variant in disease. Therefore, it has been classified as a Variant of Uncertain Significance.

NM_021813.4(BACH2):c.452G>A (p.Arg151His)

Gene: BACH2 (BACH transcriptional regulator 2; minus strand). Cytogenetic location: 6q15.
Variant type: single nucleotide variant.
Coding change: c.452G>A on transcript NM_021813.4 (MANE Select); coding-DNA position 452, G replaced by A.
Protein change: p.Arg151His; replaces arginine 151 with histidine.
Molecular consequence: missense variant.
Genome position (GRCh38, 1-based): chr6:89,951,654, C>T on the plus strand (G>A on the coding strand, the complement: BACH2 is on the minus strand). VCF-style: chr6-89951654-C-T. GRCh37 (hg19) VCF-style: chr6-90661373-C-T.
Other names: c.452G>A, p.Arg151His (NM_001170794.2); short protein forms R151H.
Identifiers: ClinVar variation 1524540 (VCV001524540.8), dbSNP rs144637668, ClinGen allele CA3928168.